The following is an entry in ClinVar:

NM_006767.4(LZTR1):c.1330G>T (p.Asp444Tyr)

Gene: LZTR1 (leucine zipper like post translational regulator 1; plus strand). Cytogenetic location: 22q11.21.
Variant type: single nucleotide variant.
Coding change: c.1330G>T on transcript NM_006767.4 (MANE Select); coding-DNA position 1330, G replaced by T.
Protein change: p.Asp444Tyr; replaces aspartic acid 444 with tyrosine.
Molecular consequence: missense variant.
Genome position (GRCh38, 1-based): chr22:20,993,731, G>T. VCF-style: chr22-20993731-G-T. GRCh37 (hg19) VCF-style: chr22-21348020-G-T.
Other names: short protein forms D444Y.
Identifiers: ClinVar variation 1770142 (VCV001770142.2), dbSNP rs775051211, ClinGen allele CA410774630.

ClinVar aggregate classification (germline): Uncertain significance (1 of 4 stars; one submission).

Conditions:
Cardiovascular phenotype. Identifiers: MedGen CN230736.
Hereditary cancer-predisposing syndrome. Also called: Hereditary Cancer Syndrome; Hereditary neoplastic syndrome; Neoplastic Syndromes, Hereditary; Tumor predisposition. Identifiers: Orphanet 140162, MedGen C0027672, MeSH D009386, MONDO:0015356.

gnomAD v4.1: 1 of 1,613,430 alleles (0.000062%); highest among the groups gnomAD compares: Non-Finnish European, 0.000085%; no homozygotes.

Submission:

Ambry Genetics
Classification: Uncertain significance for Cardiovascular phenotype; Hereditary cancer-predisposing syndrome. Last evaluated: 2022-08-11. Review status: criteria provided, single submitter. Criteria: Ambry Variant Classification Scheme 2023. Collection method: clinical testing. Allele origin: germline.
Comment: The p.D444Y variant (also known as c.1330G>T), located in coding exon 12 of the LZTR1 gene, results from a G to T substitution at nucleotide position 1330. The aspartic acid at codon 444 is replaced by tyrosine, an amino acid with highly dissimilar properties. This amino acid position is conserved. In addition, this alteration is predicted to be deleterious by in silico analysis. Since supporting evidence is limited at this time, the clinical significance of this alteration remains unclear.